The following is an entry in ClinVar:

NM_001367721.1(CASK):c.2018C>T (p.Pro673Leu)

Gene: CASK (calcium/calmodulin dependent serine protein kinase; minus strand). Cytogenetic location: Xp11.4.
Variant type: single nucleotide variant.
Coding change: c.2018C>T on transcript NM_001367721.1 (MANE Select); coding-DNA position 2018, C replaced by T.
Protein change: p.Pro673Leu; replaces proline 673 with leucine.
Molecular consequence: missense variant.
Genome position (GRCh38, 1-based): chrX:41,553,740, G>A on the plus strand (C>T on the coding strand, the complement: CASK is on the minus strand). VCF-style: chrX-41553740-G-A. GRCh37 (hg19) VCF-style: chrX-41412993-G-A.
Other names: c.1949C>T, p.Pro650Leu (NM_001126054.3); c.1931C>T, p.Pro644Leu (NM_001126055.3); c.2000C>T, p.Pro667Leu (NM_001410745.1); c.2018C>T, p.Pro673Leu (NM_003688.4); short protein forms P673L, P650L, P644L, P667L.
Identifiers: ClinVar variation 390566 (VCV000390566.2), dbSNP rs1057523820, ClinGen allele CA16608478.

ClinVar aggregate classification (germline): Likely pathogenic (1 of 4 stars; one submission).

Submission:

GeneDx
Classification: Likely pathogenic. Last evaluated: 2016-11-04. Review status: criteria provided, single submitter. Criteria: GeneDx Variant Classification (06012015). Collection method: clinical testing. Allele origin: germline. Affected: yes.
Comment: The P673L variant in the CASK gene has not been reported previously as a pathogenic variant, nor as a benign variant, to our knowledge. The P673L variant was not observed in approximately 6500 individuals of European and African American ancestry in the NHLBI Exome Sequencing Project, indicating it is not a common benign variant in these populations. The P673L variant is a semi-conservative amino acid substitution, which may impact secondary protein structure as these residues differ in some properties. This substitution occurs at a position that is conserved across species. In silico analysis predicts this variant is probably damaging to the protein structure/function. The P673L variant is a strong candidate for a pathogenic variant.